The following is an entry in ClinVar:

NM_018979.4(WNK1):c.*2236T>C

Gene: WNK1 (WNK lysine deficient protein kinase 1; plus strand). Cytogenetic location: 12p13.33.
Variant type: single nucleotide variant.
Coding change: c.*2236T>C on transcript NM_018979.4 (MANE Select); 2236 bases downstream of the stop codon, T replaced by C.
Molecular consequence: 3 prime UTR variant.
Genome position (GRCh38, 1-based): chr12:911,028, T>C. VCF-style: chr12-911028-T-C. GRCh37 (hg19) VCF-style: chr12-1020194-T-C.
Other names: c.*2236T>C (NM_001184985.2, NM_014823.3, NM_213655.5).
Identifiers: ClinVar variation 884159 (VCV000884159.4), dbSNP rs11571500, ClinGen allele CA231499854.

ClinVar aggregate classification (germline): Benign (1 of 4 stars; one submission).

Conditions:
Pseudohypoaldosteronism type 2C (PHA2C). Also called: Pseudohypoaldosteronism Type IIC. Identifiers: Orphanet 757, Orphanet 88940, MedGen C1840391, MONDO:0013778, OMIM 614492.

Allele frequency attached by ClinVar (database versions not stated): gnomAD exomes 0.00015; gnomAD 0.00035 and 0.00053; TOPMed 0.00048; 1000 Genomes Project 30x 0.00250; 1000 Genomes Project 0.00280.
gnomAD v4.1: 130 of 322,820 alleles (0.04%); highest among the groups gnomAD compares: East Asian, 0.33%; no homozygotes.

Submission:

Illumina Laboratory Services, Illumina
Classification: Benign for Pseudohypoaldosteronism type 2C. Last evaluated: 2018-01-12. Review status: criteria provided, single submitter. Criteria: ICSL Variant Classification Criteria 13 December 2019. Collection method: clinical testing. Allele origin: germline.
Comment: This variant was observed in the ICSL laboratory as part of a predisposition screen in an ostensibly healthy population. It had not been previously curated by ICSL or reported in the Human Gene Mutation Database (HGMD: prior to June 1st, 2018), and was therefore a candidate for classification through an automated scoring system. Utilizing variant allele frequency, disease prevalence and penetrance estimates, and inheritance mode, an automated score was calculated to assess if this variant is too frequent to cause the disease. Based on the score and internal cut-off values, a variant classified as benign is not then subjected to further curation. The score for this variant resulted in a classification of benign for this disease.